The following is an entry in ClinVar:

NM_001287491.2(TET3):c.4441G>T (p.Ala1481Ser)

Gene: TET3 (tet methylcytosine dioxygenase 3; plus strand). Cytogenetic location: 2p13.1.
Variant type: single nucleotide variant.
Coding change: c.4441G>T on transcript NM_001287491.2 (MANE Select); coding-DNA position 4441, G replaced by T.
Protein change: p.Ala1481Ser; replaces alanine 1481 with serine.
Molecular consequence: missense variant.
Genome position (GRCh38, 1-based): chr2:74,101,229, G>T. VCF-style: chr2-74101229-G-T. GRCh37 (hg19) VCF-style: chr2-74328356-G-T.
Other names: c.4162G>T, p.Ala1388Ser (NM_001366022.1); c.4036G>T, p.Ala1346Ser (NM_144993.1); short protein forms A1346S, A1388S, A1481S.
Identifiers: ClinVar variation 2429414 (VCV002429414.3), dbSNP rs749378388, ClinGen allele CA1719223.
Genomic context (GRCh38, chr2:74,101,229, plus strand): 5'-TCTGGGGAGAGTCCTGCCATCGTCCCTGACAAGCTCAGTTCCTTTGGGGCCAGCTGCCTG[G>T]CCCCTTCCCACTTCACAGATGGCCAGTGGGGGCTGTTCCCCGGTGAGGGGCAGCAGGCAG-3'
Protein context (NP_001274420.1, residues 1471-1491): KLSSFGASCL[Ala1481Ser]PSHFTDGQWG

ClinVar aggregate classification (germline): Uncertain significance (1 of 4 stars; one submission).

Allele frequency attached by ClinVar (database versions not stated): gnomAD exomes below 0.00001; ExAC 0.00001.
gnomAD v4.1: 2 of 1,612,806 alleles (0.00012%); highest among the groups gnomAD compares: African/African-American, 0.0013%; no homozygotes.

Submission:

Illumina Laboratory Services, Illumina
Classification: Uncertain significance. Last evaluated: 2022-09-30. Review status: criteria provided, single submitter. Criteria: ICSL CNVClassificationCriteria Aug2020. Collection method: clinical testing. Allele origin: unknown. Affected: yes.
Comment: The TET3 c.4441G>T (p.Ala1481Ser) missense variant results in the substitution of alanine at amino acid position 1481 with serine. To our knowledge, this variant has not been reported in the peer-reviewed literature. This variant is not found in version 2.1.1 or version 3.1.2 of the Genome Aggregation Database. The c.4441G>T variant is located in the catalytic domain of the protein. Based on the available evidence, the c.4441G>T (p.Ala1481Ser) variant is classified as a variant of uncertain significance for Beck-Fahrner syndrome.